The following is an entry in ClinVar:

ClinVar aggregate classification (germline): Uncertain significance (1 of 4 stars; one submission).

Submission:

Ambry Genetics
Classification: Uncertain significance. Last evaluated: 2025-02-24. Review status: criteria provided, single submitter. Criteria: Ambry Variant Classification Scheme 2023. Collection method: clinical testing. Allele origin: germline.
Comment: The p.Q21L variant (also known as c.62A>T), located in coding exon 1 of the FAM175A gene, results from an A to T substitution at nucleotide position 62. The glutamine at codon 21 is replaced by leucine, an amino acid with dissimilar properties. This amino acid position is conserved. In addition, this alteration is predicted to be tolerated by in silico analysis. Based on the available evidence, the clinical significance of this variant remains unclear.

NM_139076.3(ABRAXAS1):c.62A>T (p.Gln21Leu)

Genes: ABRAXAS1 (abraxas 1, BRCA1 A complex subunit; minus strand), LOC129992784 (ATAC-STARR-seq lymphoblastoid silent region 15542; plus strand). Cytogenetic location: 4q21.23.
Variant type: single nucleotide variant.
Coding change: c.62A>T on transcript NM_139076.3 (MANE Select); coding-DNA position 62, A replaced by T.
Protein change: p.Gln21Leu; replaces glutamine 21 with leucine.
Molecular consequence: missense variant. On other transcripts: 5 prime UTR variant (1).
Genome position (GRCh38, 1-based): chr4:83,485,011, T>A on the plus strand (A>T on the coding strand, the complement: ABRAXAS1 is on the minus strand). VCF-style: chr4-83485011-T-A. GRCh37 (hg19) VCF-style: chr4-84406164-T-A.
Other names: c.-199A>T (NM_001345962.2); short protein forms Q21L.
Identifiers: ClinVar variation 3796920 (VCV003796920.1).
Genomic context (GRCh38, chr4:83,485,011, plus strand): 5'-GGCGACGCCGGACCCCGCCCCGTCCCTCGGCTCACCGTGTCCGAGTCCGTGTTGAGGTGC[T>A]GGAAAGCGAGTGCGCCGAGCACAAAGCCCGAGAGCACCGCCGACGTACTCTCCCCCTCCA-3'
Protein context (NP_620775.2, residues 11-31): SGFVLGALAF[Gln21Leu]HLNTDSDTEG